The following is an entry in ClinVar:

NM_006231.4(POLE):c.925A>G (p.Asn309Asp)

Gene: POLE (DNA polymerase epsilon, catalytic subunit; minus strand). Cytogenetic location: 12q24.33.
Variant type: single nucleotide variant.
Coding change: c.925A>G on transcript NM_006231.4 (MANE Select); coding-DNA position 925, A replaced by G.
Protein change: p.Asn309Asp; replaces asparagine 309 with aspartic acid.
Molecular consequence: missense variant.
Genome position (GRCh38, 1-based): chr12:132,676,189, T>C on the plus strand (A>G on the coding strand, the complement: POLE is on the minus strand). VCF-style: chr12-132676189-T-C. GRCh37 (hg19) VCF-style: chr12-133252775-T-C.
Other names: short protein forms N309D.
Identifiers: ClinVar variation 2806908 (VCV002806908.3), dbSNP rs2542167966, ClinGen allele CA387363935.
Genomic context (GRCh38, chr12:132,676,189, plus strand): 5'-CATATTCTGGCTTGGGGGTGAACTCAAAATCTTCAATATCTTCTGAAACAATCTCCCTGT[T>C]GGTGATGAGGTAGCCCTAGCCAAGTTCATTAGCAATCAGCACAAGTCAGAGGCTGCAAAG-3'
Protein context (NP_006222.2, residues 299-319): MIDGQGYLIT[Asn309Asp]REIVSEDIED

ClinVar aggregate classification (germline): Uncertain significance (1 of 4 stars; one submission).

Submission:

Labcorp Genetics (formerly Invitae), Labcorp
Classification: Uncertain significance. Last evaluated: 2023-04-30. Review status: criteria provided, single submitter. Criteria: Invitae Variant Classification Sherloc (09022015). Collection method: clinical testing. Allele origin: germline.
Comment: In summary, the available evidence is currently insufficient to determine the role of this variant in disease. Therefore, it has been classified as a Variant of Uncertain Significance. Advanced modeling of protein sequence and biophysical properties (such as structural, functional, and spatial information, amino acid conservation, physicochemical variation, residue mobility, and thermodynamic stability) performed at Invitae indicates that this missense variant is expected to disrupt POLE protein function. This variant has not been reported in the literature in individuals affected with POLE-related conditions. This variant is not present in population databases (gnomAD no frequency). This sequence change replaces asparagine, which is neutral and polar, with aspartic acid, which is acidic and polar, at codon 309 of the POLE protein (p.Asn309Asp).